The following is an entry in ClinVar:

NM_001042646.3(TRAK1):c.2581G>A (p.Ala861Thr)

Gene: TRAK1 (trafficking kinesin protein 1; plus strand). Cytogenetic location: 3p22.1.
Variant type: single nucleotide variant.
Coding change: c.2581G>A on transcript NM_001042646.3 (MANE Select); coding-DNA position 2581, G replaced by A.
Protein change: p.Ala861Thr; replaces alanine 861 with threonine.
Molecular consequence: missense variant. On other transcripts: 3 prime UTR variant (1), non-coding transcript variant (1).
Genome position (GRCh38, 1-based): chr3:42,223,456, G>A. VCF-style: chr3-42223456-G-A. GRCh37 (hg19) VCF-style: chr3-42264948-G-A.
Other names: c.2206G>A, p.Ala736Thr (NM_001349245.1); c.2518G>A, p.Ala840Thr (NM_001349246.2); c.*535G>A (NM_001349247.2); c.2296G>A, p.Ala766Thr (NM_001349248.1); c.2359G>A, p.Ala787Thr (NM_001349249.1); c.2407G>A, p.Ala803Thr (NM_001410741.1); short protein forms A766T, A861T, A787T, A803T, A736T, A840T.
Identifiers: ClinVar variation 2171725 (VCV002171725.4), dbSNP rs151056622, ClinGen allele CA2333894.

ClinVar aggregate classification (germline): Uncertain significance. Review status: criteria provided, multiple submitters, no conflicts (2 of 4 stars). 4 submissions from 4 submitters: Uncertain significance (4). Last evaluated 2026-02-04.

Conditions:
Inborn genetic diseases. Identifiers: MedGen C0950123, MeSH D030342.

Allele frequency attached by ClinVar (database versions not stated): gnomAD exomes 0.00002; ExAC 0.00003; ESP Exome Variant Server 0.00008; gnomAD 0.00012; TOPMed 0.00012; 1000 Genomes Project 30x 0.00016; 1000 Genomes Project 0.00020.
gnomAD v4.1: 42 of 1,613,988 alleles (0.0026%); highest among the groups gnomAD compares: African/African-American, 0.051%; no homozygotes.

Submissions (4):

Women's Health and Genetics/Laboratory Corporation of America, LabCorp
Classification: Uncertain significance. Last evaluated: 2026-02-04. Review status: criteria provided, single submitter. Criteria: LabCorp Variant Classification Summary - May 2015. Collection method: clinical testing. Allele origin: germline.
Comment: Variant summary: TRAK1 c.2581G>A (p.Ala861Thr) results in a non-conservative amino acid change in the encoded protein sequence. Algorithms developed to predict the effect of missense changes on protein structure and function are either unavailable or do not agree on the potential impact of this missense change. The variant allele was found at a frequency of 1.2e-05 in 248420 control chromosomes. The available data on variant occurrences in the general population are insufficient to allow any conclusion about variant significance. To our knowledge, no occurrence of c.2581G>A in individuals affected with TRAK1-related conditions and no experimental evidence demonstrating its impact on protein function have been reported. ClinVar contains an entry for this variant (Variation ID: 2171725). Based on the evidence outlined above, the variant was classified as uncertain significance.

GeneDx
Classification: Uncertain significance. Last evaluated: 2024-12-22. Review status: criteria provided, single submitter. Criteria: GeneDx Variant Classification Process June 2021. Collection method: clinical testing. Allele origin: germline. Affected: yes.
Comment: In silico analysis indicates that this missense variant does not alter protein structure/function; Has not been previously published as pathogenic or benign to our knowledge

Labcorp Genetics (formerly Invitae), Labcorp
Classification: Uncertain significance. Last evaluated: 2024-10-16. Review status: criteria provided, single submitter. Criteria: Invitae Variant Classification Sherloc (09022015). Collection method: clinical testing. Allele origin: germline.
Comment: This sequence change replaces alanine, which is neutral and non-polar, with threonine, which is neutral and polar, at codon 861 of the TRAK1 protein (p.Ala861Thr). This variant is present in population databases (rs151056622, gnomAD 0.03%). This variant has not been reported in the literature in individuals affected with TRAK1-related conditions. ClinVar contains an entry for this variant (Variation ID: 2171725). An algorithm developed to predict the effect of missense changes on protein structure and function (PolyPhen-2) suggests that this variant¬†is likely to be tolerated. In summary, the available evidence is currently insufficient to determine the role of this variant in disease. Therefore, it has been classified as a Variant of Uncertain Significance.

Ambry Genetics
Classification: Uncertain significance for Inborn genetic diseases. Last evaluated: 2024-04-12. Review status: criteria provided, single submitter. Criteria: Ambry Variant Classification Scheme 2023. Collection method: clinical testing. Allele origin: germline.